The following is an entry in ClinVar:

NM_021961.6(TEAD1):c.1063C>T (p.Arg355Cys)

Gene: TEAD1 (TEA domain transcription factor 1; plus strand). Cytogenetic location: 11p15.3.
Variant type: single nucleotide variant.
Coding change: c.1063C>T on transcript NM_021961.6 (MANE Select); coding-DNA position 1063, C replaced by T.
Protein change: p.Arg355Cys; replaces arginine 355 with cysteine.
Molecular consequence: missense variant.
Genome position (GRCh38, 1-based): chr11:12,930,222, C>T. VCF-style: chr11-12930222-C-T. GRCh37 (hg19) VCF-style: chr11-12951769-C-T.
Other names: short protein forms R355C.
Identifiers: ClinVar variation 1404241 (VCV001404241.7), dbSNP rs767697992, ClinGen allele CA5891811.
Genomic context (GRCh38, chr11:12,930,222, plus strand): 5'-TTTTCCTCACAGACGGAGTATGCAAGGTTTGAGAATGGCCGATTTGTATACCGAATAAAC[C>T]GCTCCCCAATGTGTGAATATATGATCAACTTCATCCACAAGCTCAAACACTTACCAGAGA-3'
Protein context (NP_068780.2, residues 345-365): ENGRFVYRIN[Arg355Cys]SPMCEYMINF

ClinVar aggregate classification (germline): Uncertain significance (1 of 4 stars; one submission).

Allele frequency attached by ClinVar (database versions not stated): gnomAD exomes below 0.00001; ExAC 0.00001; gnomAD 0.00001.
gnomAD v4.1: 6 of 1,614,042 alleles (0.00037%); highest among the groups gnomAD compares: African/African-American, 0.0013%; no homozygotes.

Submission:

Labcorp Genetics (formerly Invitae), Labcorp
Classification: Uncertain significance. Last evaluated: 2025-03-04. Review status: criteria provided, single submitter. Criteria: Invitae Variant Classification Sherloc (09022015). Collection method: clinical testing. Allele origin: germline.
Comment: This sequence change replaces arginine, which is basic and polar, with cysteine, which is neutral and slightly polar, at codon 355 of the TEAD1 protein (p.Arg355Cys). This variant is present in population databases (rs767697992, gnomAD 0.004%). This missense change has been observed in individual(s) with TEAD1-related conditions (PMID: 31087526). ClinVar contains an entry for this variant (Variation ID: 1404241). Invitae Evidence Modeling of protein sequence and biophysical properties (such as structural, functional, and spatial information, amino acid conservation, physicochemical variation, residue mobility, and thermodynamic stability) indicates that this missense variant is expected to disrupt TEAD1 protein function with a positive predictive value of 80%. In summary, the available evidence is currently insufficient to determine the role of this variant in disease. Therefore, it has been classified as a Variant of Uncertain Significance.

Literature cited by the submitters: PubMed 31087526.